The following is an entry in ClinVar:

NM_172364.5(CACNA2D4):c.1020G>T (p.Glu340Asp)

Gene: CACNA2D4 (calcium voltage-gated channel auxiliary subunit alpha2delta 4; minus strand). Cytogenetic location: 12p13.33.
Variant type: single nucleotide variant.
Coding change: c.1020G>T on transcript NM_172364.5 (MANE Select); coding-DNA position 1020, G replaced by T.
Protein change: p.Glu340Asp; replaces glutamic acid 340 with aspartic acid.
Molecular consequence: missense variant.
Genome position (GRCh38, 1-based): chr12:1,886,013, C>A on the plus strand (G>T on the coding strand, the complement: CACNA2D4 is on the minus strand). VCF-style: chr12-1886013-C-A. GRCh37 (hg19) VCF-style: chr12-1995179-C-A.
Other names: short protein forms E340D.
Identifiers: ClinVar variation 853772 (VCV000853772.9), dbSNP rs1866133788, ClinGen allele CA383360150.

ClinVar aggregate classification (germline): Uncertain significance (1 of 4 stars; one submission).

Allele frequency attached by ClinVar (database versions not stated): gnomAD exomes below 0.00001.

Submission:

Labcorp Genetics (formerly Invitae), Labcorp
Classification: Uncertain significance. Last evaluated: 2022-06-27. Review status: criteria provided, single submitter. Criteria: Invitae Variant Classification Sherloc (09022015). Collection method: clinical testing. Allele origin: germline.
Comment: Algorithms developed to predict the effect of missense changes on protein structure and function are either unavailable or do not agree on the potential impact of this missense change (SIFT: "Deleterious"; PolyPhen-2: "Benign"; Align-GVGD: "Class C35"). ClinVar contains an entry for this variant (Variation ID: 853772). This variant has not been reported in the literature in individuals affected with CACNA2D4-related conditions. This variant is not present in population databases (gnomAD no frequency). This sequence change replaces glutamic acid, which is acidic and polar, with aspartic acid, which is acidic and polar, at codon 340 of the CACNA2D4 protein (p.Glu340Asp). Algorithms developed to predict the effect of sequence changes on RNA splicing suggest that this variant may create or strengthen a splice site. In summary, the available evidence is currently insufficient to determine the role of this variant in disease. Therefore, it has been classified as a Variant of Uncertain Significance.